The following is an entry in ClinVar:

NM_003072.5(SMARCA4):c.794C>A (p.Pro265His)

Gene: SMARCA4 (SWI/SNF related BAF chromatin remodeling complex subunit ATPase 4; plus strand). Cytogenetic location: 19p13.2.
Variant type: single nucleotide variant.
Coding change: c.794C>A on transcript NM_003072.5 (MANE Select); coding-DNA position 794, C replaced by A.
Protein change: p.Pro265His; replaces proline 265 with histidine.
Molecular consequence: missense variant. On other transcripts: non-coding transcript variant (1).
Genome position (GRCh38, 1-based): chr19:10,986,938, C>A. VCF-style: chr19-10986938-C-A. GRCh37 (hg19) VCF-style: chr19-11097614-C-A.
Other names: c.794C>A, p.Pro265His (NM_001128844.3, NM_001128845.2, NM_001128846.2 and 6 more transcripts); short protein forms P265H.
Identifiers: ClinVar variation 2885622 (VCV002885622.3), dbSNP rs2145796111, ClinGen allele CA404057943.
Genomic context (GRCh38, chr19:10,986,938, plus strand): 5'-TTCTCTTTTGTTTCTCCCTACATGTAGGTATGGGAGGGCCCAACATGCCTCCCCCAGGAC[C>A]CTCGGGCGTGCCCCCCGGGATGCCAGGCCAGCCTCCTGGAGGGCCTCCCAAGCCCTGGCC-3'
Protein context (NP_003063.2, residues 255-275): MGGPNMPPPG[Pro265His]SGVPPGMPGQ

ClinVar aggregate classification (germline): Uncertain significance (1 of 4 stars; one submission).

Conditions:
Rhabdoid tumor predisposition syndrome 2 (RTPS2). Identifiers: Orphanet 231108, Orphanet 69077, MedGen C2750074, MONDO:0013224, OMIM 613325.

Submission:

Labcorp Genetics (formerly Invitae), Labcorp
Classification: Uncertain significance for Rhabdoid tumor predisposition syndrome 2. Last evaluated: 2023-06-25. Review status: criteria provided, single submitter. Criteria: Invitae Variant Classification Sherloc (09022015). Collection method: clinical testing. Allele origin: germline.
Comment: In summary, the available evidence is currently insufficient to determine the role of this variant in disease. Therefore, it has been classified as a Variant of Uncertain Significance. Advanced modeling of protein sequence and biophysical properties (such as structural, functional, and spatial information, amino acid conservation, physicochemical variation, residue mobility, and thermodynamic stability) has been performed at Invitae for this missense variant, however the output from this modeling did not meet the statistical confidence thresholds required to predict the impact of this variant on SMARCA4 protein function. This variant has not been reported in the literature in individuals affected with SMARCA4-related conditions. This variant is not present in population databases (gnomAD no frequency). This sequence change replaces proline, which is neutral and non-polar, with histidine, which is basic and polar, at codon 265 of the SMARCA4 protein (p.Pro265His).